The following is an entry in ClinVar:

NM_000038.6(APC):c.5341C>T (p.Gln1781Ter)

Gene: APC (APC regulator of Wnt signaling pathway; plus strand). Cytogenetic location: 5q22.2.
Variant type: single nucleotide variant.
Coding change: c.5341C>T on transcript NM_000038.6 (MANE Select); coding-DNA position 5341, C replaced by T.
Protein change: p.Gln1781Ter; replaces glutamine 1781 with a stop codon.
Molecular consequence: nonsense.
Genome position (GRCh38, 1-based): chr5:112,840,935, C>T. VCF-style: chr5-112840935-C-T. GRCh37 (hg19) VCF-style: chr5-112176632-C-T.
Other names: c.5341C>T, p.Gln1781Ter (NM_001127510.3, NM_001354895.2); c.5287C>T, p.Gln1763Ter (NM_001127511.3); c.5395C>T, p.Gln1799Ter (NM_001354896.2); c.5371C>T, p.Gln1791Ter (NM_001354897.2); c.5266C>T, p.Gln1756Ter (NM_001354898.2); c.5257C>T, p.Gln1753Ter (NM_001354899.2); c.5218C>T, p.Gln1740Ter (NM_001354900.2); c.5164C>T, p.Gln1722Ter (NM_001354901.2); and 5 more; short protein forms Q1763*, Q1781*, Q1621*, Q1655*, Q1753*, Q1756*, Q1498*, Q1680*.
Identifiers: ClinVar variation 469995 (VCV000469995.9), dbSNP rs1554086653, ClinGen allele CA16033005.

ClinVar aggregate classification (germline): Pathogenic. Review status: criteria provided, multiple submitters, no conflicts (2 of 4 stars). 2 submissions from 2 submitters: Pathogenic (2). Last evaluated 2023-05-12.

Conditions:
Familial adenomatous polyposis 1 (FAP1). Also called: POLYPOSIS, ADENOMATOUS INTESTINAL; FAMILIAL ADENOMATOUS POLYPOSIS 1, ATTENUATED. Identifiers: MedGen C2713442, MONDO:0021056, OMIM 175100. Disease mechanism: loss of function.

Submissions (2):

Myriad Genetics, Inc.
Classification: Pathogenic for Familial adenomatous polyposis 1. Last evaluated: 2023-05-12. Review status: criteria provided, single submitter. Criteria: Myriad Autosomal Dominant, Autosomal Recessive and X-Linked Classification Criteria (2023). Collection method: clinical testing. Allele origin: unknown.
Comment: This variant is considered pathogenic. This variant creates a termination codon and is predicted to result in premature protein truncation.

Labcorp Genetics (formerly Invitae), Labcorp
Classification: Pathogenic for Familial adenomatous polyposis 1. Last evaluated: 2021-08-07. Review status: criteria provided, single submitter. Criteria: Invitae Variant Classification Sherloc (09022015). Collection method: clinical testing. Allele origin: germline.
Comment: For these reasons, this variant has been classified as Pathogenic. A different truncation (p.Tyr2645Lysfs*14) that lies downstream of this variant has been determined to be pathogenic (PMID: 9824584, 1316610, 27081525, 8381579, 22135120, Invitae). This suggests that deletion of this region of the APC protein is causative of disease. This variant is expected to disrupt the EB1 and HDLG binding sites, which mediate interactions with the cytoskeleton (PMID: 15311282, 17293347). While functional studies have not been performed to directly test the effect on APC protein function, this suggests that disruption of the C-terminal portion of the protein is functionally important. ClinVar contains an entry for this variant (Variation ID: 469995). This variant has not been reported in the literature in individuals affected with APC-related conditions. This variant is not present in population databases (ExAC no frequency). This sequence change creates a premature translational stop signal (p.Gln1781*) in the APC gene. While this is not anticipated to result in nonsense mediated decay, it is expected to disrupt the last 1063 amino acid(s) of the APC protein.

Literature cited by the submitters: PubMed 9824584 (cited by Labcorp Genetics (formerly Invitae), Labcorp); PubMed 1316610 (cited by Labcorp Genetics (formerly Invitae), Labcorp); PubMed 27081525 (cited by Labcorp Genetics (formerly Invitae), Labcorp); PubMed 8381579 (cited by Labcorp Genetics (formerly Invitae), Labcorp); PubMed 22135120 (cited by Labcorp Genetics (formerly Invitae), Labcorp); PubMed 15311282 (cited by Labcorp Genetics (formerly Invitae), Labcorp); PubMed 17293347 (cited by Labcorp Genetics (formerly Invitae), Labcorp).